The following is an entry in ClinVar:

NM_004333.6(BRAF):c.*387G>A

Gene: BRAF (B-Raf proto-oncogene, serine/threonine kinase; minus strand). Cytogenetic location: 7q34.
Variant type: single nucleotide variant.
Coding change: c.*387G>A on transcript NM_004333.6 (MANE Select); 387 bases downstream of the stop codon, G replaced by A.
Molecular consequence: 3 prime UTR variant. On other transcripts: intron variant (9).
Genome position (GRCh38, 1-based): chr7:140,734,210, C>T on the plus strand (G>A on the coding strand, the complement: BRAF is on the minus strand). VCF-style: chr7-140734210-C-T. GRCh37 (hg19) VCF-style: chr7-140434010-C-T.
Other names: c.*387G>A (NM_001374244.1, NM_001378469.1, NM_001378473.1); c.2127+5602G>A (NM_001378474.1, NM_001378468.1); c.2179+407G>A (NM_001378470.1); c.2017+407G>A (NM_001378475.1); c.2170+407G>A (NM_001378471.1); c.2281+407G>A (NM_001354609.2); c.2401+407G>A (NM_001374258.1); c.2290+407G>A (NM_001378467.1); and 1 more.
Identifiers: ClinVar variation 359041 (VCV000359041.6), dbSNP rs114105685, ClinGen allele CA10628359.

ClinVar aggregate classification (germline): Benign/Likely benign. Review status: criteria provided, multiple submitters, no conflicts (2 of 4 stars). 3 submissions from 2 submitters: Benign (2); Likely benign (1). Last evaluated 2018-05-22.

Conditions:
LEOPARD syndrome 3 (LPRD3). Identifiers: Orphanet 500, MedGen C3150971, MONDO:0013380, OMIM 613707.
Noonan syndrome 7 (NS7). Also called: BRAF-Related Noonan Syndrome. Identifiers: Orphanet 648, MedGen C3150970, MONDO:0013379, OMIM 613706.

Allele frequency attached by ClinVar (database versions not stated): gnomAD exomes 0.00082; 1000 Genomes Project 30x 0.00859; 1000 Genomes Project 0.00879; gnomAD 0.00914 and 0.00981; TOPMed 0.01029.
gnomAD v4.1: 2,180 of 1,103,716 alleles (0.2%); highest among the groups gnomAD compares: African/African-American, 3.2%; 40 homozygotes.

Submissions (3):

Blueprint Genetics
Classification: Likely benign. Last evaluated: 2018-05-22. Review status: criteria provided, single submitter. Criteria: ACMG Guidelines, 2015. Collection method: clinical testing. Allele origin: germline.

Illumina Laboratory Services, Illumina
Classification: Benign for LEOPARD syndrome 3. Last evaluated: 2018-01-13. Review status: criteria provided, single submitter. Criteria: ICSL Variant Classification Criteria 13 December 2019. Collection method: clinical testing. Allele origin: germline.
Comment: This variant was observed in the ICSL laboratory as part of a predisposition screen in an ostensibly healthy population. It had not been previously curated by ICSL or reported in the Human Gene Mutation Database (HGMD: prior to June 1st, 2018), and was therefore a candidate for classification through an automated scoring system. Utilizing variant allele frequency, disease prevalence and penetrance estimates, and inheritance mode, an automated score was calculated to assess if this variant is too frequent to cause the disease. Based on the score and internal cut-off values, a variant classified as benign is not then subjected to further curation. The score for this variant resulted in a classification of benign for this disease.

Illumina Laboratory Services, Illumina
Classification: Benign for Noonan syndrome 7. Last evaluated: 2018-01-13. Review status: criteria provided, single submitter. Criteria: ICSL Variant Classification Criteria 13 December 2019. Collection method: clinical testing. Allele origin: germline.
Comment: the same text as in the submission from Illumina Laboratory Services, Illumina above.